The following is an entry in ClinVar:

ClinVar aggregate classification (germline): Uncertain significance (1 of 4 stars; one submission).

Conditions:
POLD1-related polyposis and colorectal cancer syndrome (CRCS10). Also called: Colorectal cancer, susceptibility to, 10; Colorectal cancer 10; COLORECTAL CANCER, SUSCEPTIBILITY TO, ON CHROMOSOME 19q. Identifiers: Orphanet 220460, MedGen C2675481, MONDO:0012953, OMIM 612591.

Submission:

Labcorp Genetics (formerly Invitae), Labcorp
Classification: Uncertain significance for POLD1-related polyposis and colorectal cancer syndrome. Last evaluated: 2022-06-13. Review status: criteria provided, single submitter. Criteria: Invitae Variant Classification Sherloc (09022015). Collection method: clinical testing. Allele origin: germline.
Comment: In summary, the available evidence is currently insufficient to determine the role of this variant in disease. Therefore, it has been classified as a Variant of Uncertain Significance. Algorithms developed to predict the effect of missense changes on protein structure and function are either unavailable or do not agree on the potential impact of this missense change (SIFT: "Tolerated"; PolyPhen-2: "Probably Damaging"; Align-GVGD: "Class C0"). This variant has not been reported in the literature in individuals affected with POLD1-related conditions. This variant is not present in population databases (gnomAD no frequency). This sequence change replaces glutamic acid, which is acidic and polar, with aspartic acid, which is acidic and polar, at codon 971 of the POLD1 protein (p.Glu971Asp).

NM_002691.4(POLD1):c.2913G>T (p.Glu971Asp)

Gene: POLD1 (DNA polymerase delta 1, catalytic subunit; plus strand). Cytogenetic location: 19q13.33.
Variant type: single nucleotide variant.
Coding change: c.2913G>T on transcript NM_002691.4 (MANE Select); coding-DNA position 2913, G replaced by T.
Protein change: p.Glu971Asp; replaces glutamic acid 971 with aspartic acid.
Molecular consequence: missense variant. On other transcripts: non-coding transcript variant (1).
Genome position (GRCh38, 1-based): chr19:50,416,488, G>T. VCF-style: chr19-50416488-G-T. GRCh37 (hg19) VCF-style: chr19-50919745-G-T.
Other names: c.2913G>T, p.Glu971Asp (NM_001256849.1); c.2991G>T, p.Glu997Asp (NM_001308632.1); short protein forms E971D, E997D.
Identifiers: ClinVar variation 1346918 (VCV001346918.8), dbSNP rs1385562254, ClinGen allele CA406986569.